The following is an entry in ClinVar:

NM_005188.4(CBL):c.1071C>T (p.Pro357=)

Gene: CBL (Cbl proto-oncogene; plus strand). Cytogenetic location: 11q23.3.
Variant type: single nucleotide variant.
Coding change: c.1071C>T on transcript NM_005188.4 (MANE Select); coding-DNA position 1071, C replaced by T.
Protein change: p.Pro357=; no amino-acid change (proline 357 retained).
Molecular consequence: synonymous variant.
Genome position (GRCh38, 1-based): chr11:119,277,820, C>T. VCF-style: chr11-119277820-C-T. GRCh37 (hg19) VCF-style: chr11-119148530-C-T.
Identifiers: ClinVar variation 45195 (VCV000045195.9), dbSNP rs397517075, ClinGen allele CA135693.

ClinVar aggregate classification (germline): Likely benign. Review status: criteria provided, multiple submitters, no conflicts (2 of 4 stars). 3 submissions from 3 submitters: Likely benign (3). Last evaluated 2025-08-11.

Conditions:
Cardiovascular phenotype. Identifiers: MedGen CN230736.
RASopathy. Also called: Noonan spectrum disorder; rasopathies. Identifiers: Orphanet 536391, MedGen C5555857, MONDO:0021060.

Allele frequency attached by ClinVar (database versions not stated): gnomAD 0.00001; gnomAD exomes 0.00001 and 0.00004; ExAC 0.00003; TOPMed 0.00005.
gnomAD v4.1: 14 of 1,613,416 alleles (0.00087%); highest among the groups gnomAD compares: East Asian, 0.031%; no homozygotes.

Submissions (3):

Labcorp Genetics (formerly Invitae), Labcorp
Classification: Likely benign for RASopathy. Last evaluated: 2025-08-11. Review status: criteria provided, single submitter. Criteria: Invitae Variant Classification Sherloc (09022015). Collection method: clinical testing. Allele origin: germline.

Ambry Genetics
Classification: Likely benign for Cardiovascular phenotype. Last evaluated: 2024-11-20. Review status: criteria provided, single submitter. Criteria: Ambry Variant Classification Scheme 2023. Collection method: clinical testing. Allele origin: germline.

Laboratory for Molecular Medicine, Mass General Brigham Personalized Medicine
Classification: Likely benign. Last evaluated: 2012-06-26. Review status: criteria provided, single submitter. Criteria: LMM Criteria. Collection method: clinical testing. Allele origin: germline. Observed: 1 variant allele.
Comment: Pro357Pro in exon 7 of CBL: This variant is not expected to have clinical signif icance because it does not alter an amino acid residue and it is not located wit hin the splice consensus sequence.